The following is an entry in ClinVar:

NM_002474.3(MYH11):c.882G>A (p.Lys294=)

Gene: MYH11 (myosin heavy chain 11; minus strand). Cytogenetic location: 16p13.11.
Variant type: single nucleotide variant.
Coding change: c.882G>A on transcript NM_002474.3 (MANE Select); coding-DNA position 882, G replaced by A.
Protein change: p.Lys294=; no amino-acid change (lysine 294 retained).
Molecular consequence: synonymous variant.
Genome position (GRCh38, 1-based): chr16:15,776,085, C>T on the plus strand (G>A on the coding strand, the complement: MYH11 is on the minus strand). VCF-style: chr16-15776085-C-T. GRCh37 (hg19) VCF-style: chr16-15869942-C-T.
Other names: c.903G>A, p.Lys301= (NM_001040113.2, NM_001040114.2); c.882G>A, p.Lys294= (NM_022844.3).
Identifiers: ClinVar variation 925147 (VCV000925147.11), dbSNP rs536912174, ClinGen allele CA7922795.
Genomic context (GRCh38, chr16:15,776,085, plus strand): 5'-GATGAAAGGGAAGGCTCAAGCCATCCAATCACATGTCATTGCTAGTCACTTACTTCTCAT[C>T]TTCTCCTTGGCTCCAGCAATCATGTAGTAAAAGATGTGGAATGTCCTCTCGTCTCTGGCT-3'
Protein context (NP_002465.1, residues 284-304): FYYMIAGAKE[Lys294=]MRSDLLLEGF

ClinVar aggregate classification (germline): Likely benign. Review status: criteria provided, multiple submitters, no conflicts (2 of 4 stars). 3 submissions from 3 submitters: Likely benign (3). Last evaluated 2023-07-28.

Conditions:
Familial thoracic aortic aneurysm and aortic dissection (TAAD). Also called: Thoracic aortic aneurysms and dissections. Identifiers: Orphanet 91387, MedGen C4707243, MONDO:0019625.
Aortic aneurysm, familial thoracic 4 (AAT4). Also called: AORTIC ANEURYSM/AORTIC DISSECTION AND PATENT DUCTUS ARTERIOSUS. Identifiers: MedGen C1851504, MONDO:0007568, OMIM 132900.

Allele frequency attached by ClinVar (database versions not stated): ExAC 0.00001; gnomAD 0.00001; gnomAD exomes 0.00001; 1000 Genomes Project 30x 0.00016; 1000 Genomes Project 0.00020.
gnomAD v4.1: 12 of 1,611,856 alleles (0.00074%); highest among the groups gnomAD compares: South Asian, 0.0099%; no homozygotes.

Submissions (3):

Labcorp Genetics (formerly Invitae), Labcorp
Classification: Likely benign for Aortic aneurysm, familial thoracic 4. Last evaluated: 2023-07-28. Review status: criteria provided, single submitter. Criteria: Invitae Variant Classification Sherloc (09022015). Collection method: clinical testing. Allele origin: germline.

All of Us Research Program, National Institutes of Health
Classification: Likely benign for Familial thoracic aortic aneurysm and aortic dissection. Last evaluated: 2023-06-08. Review status: criteria provided, single submitter. Criteria: ACMG Guidelines, 2015. Collection method: clinical testing. Allele origin: germline. Inheritance: Autosomal dominant inheritance. Observed: 1 variant allele, 1 heterozygote.
Comment: This study involves interpretation of variants in research participants for the purpose of population health screening. Participant phenotype was not available at the time of variant classification. Additional details can be found in publication PMID: 35346344, PMCID: PMC8962531

Color Diagnostics, LLC DBA Color Health
Classification: Likely benign for Familial thoracic aortic aneurysm and aortic dissection. Last evaluated: 2018-11-25. Review status: criteria provided, single submitter. Criteria: ACMG Guidelines, 2015. Collection method: clinical testing. Allele origin: germline.